The following is an entry in ClinVar:

NM_000535.7(PMS2):c.2526C>A (p.Asn842Lys)

Gene: PMS2 (PMS1 homolog 2, mismatch repair system component; minus strand). Cytogenetic location: 7p22.1.
Variant type: single nucleotide variant.
Coding change: c.2526C>A on transcript NM_000535.7 (MANE Select); coding-DNA position 2526, C replaced by A.
Protein change: p.Asn842Lys; replaces asparagine 842 with lysine.
Molecular consequence: missense variant. On other transcripts: non-coding transcript variant (1).
Genome position (GRCh38, 1-based): chr7:5,973,462, G>T on the plus strand (C>A on the coding strand, the complement: PMS2 is on the minus strand). VCF-style: chr7-5973462-G-T. GRCh37 (hg19) VCF-style: chr7-6013093-G-T.
Other names: c.2121C>A, p.Asn707Lys (NM_001322003.2, NM_001322004.2, NM_001322005.2); c.2370C>A, p.Asn790Lys (NM_001322006.2); c.2208C>A, p.Asn736Lys (NM_001322007.2, NM_001322008.2); c.2154C>A, p.Asn718Lys (NM_001322009.2); c.1965C>A, p.Asn655Lys (NM_001322010.2); c.1593C>A, p.Asn531Lys (NM_001322011.2, NM_001322012.2); c.1953C>A, p.Asn651Lys (NM_001322013.2); c.2559C>A, p.Asn853Lys (NM_001322014.2); and 1 more; short protein forms N531K, N651K, N655K, N707K, N718K, N736K, N739K, N790K.
Identifiers: ClinVar variation 1061226 (VCV001061226.12), dbSNP rs755478893, ClinGen allele CA366734865.

ClinVar aggregate classification (germline): Uncertain significance. Review status: criteria provided, multiple submitters, no conflicts (2 of 4 stars). 2 submissions from 2 submitters: Uncertain significance (2). Last evaluated 2024-11-15.

Conditions:
Hereditary nonpolyposis colorectal neoplasms. Identifiers: MedGen C0009405, MeSH D003123.
Hereditary cancer-predisposing syndrome. Also called: Neoplastic Syndromes, Hereditary; Hereditary Cancer Syndrome; Hereditary neoplastic syndrome; Tumor predisposition. Identifiers: Orphanet 140162, MedGen C0027672, MeSH D009386, MONDO:0015356.

Submissions (2):

Ambry Genetics
Classification: Uncertain significance for Hereditary cancer-predisposing syndrome. Last evaluated: 2024-11-15. Review status: criteria provided, single submitter. Criteria: Ambry Variant Classification Scheme 2023. Collection method: clinical testing. Allele origin: germline.
Comment: The p.N842K variant (also known as c.2526C>A), located in coding exon 15 of the PMS2 gene, results from a C to A substitution at nucleotide position 2526. The asparagine at codon 842 is replaced by lysine, an amino acid with similar properties. This amino acid position is highly conserved in available vertebrate species. In addition, the in silico prediction for this alteration is inconclusive. Based on the available evidence, the clinical significance of this variant remains unclear.

Labcorp Genetics (formerly Invitae), Labcorp
Classification: Uncertain significance for Hereditary nonpolyposis colorectal neoplasms. Last evaluated: 2020-09-11. Review status: criteria provided, single submitter. Criteria: Invitae Variant Classification Sherloc (09022015). Collection method: clinical testing. Allele origin: germline.
Comment: Advanced modeling of protein sequence and biophysical properties (such as structural, functional, and spatial information, amino acid conservation, physicochemical variation, residue mobility, and thermodynamic stability) performed at Invitae indicates that this missense variant is not expected to disrupt PMS2 protein function. In summary, the available evidence is currently insufficient to determine the role of this variant in disease. Therefore, it has been classified as a Variant of Uncertain Significance. This variant has not been reported in the literature in individuals with PMS2-related conditions. The frequency data for this variant in the population databases (ExAC) is considered unreliable due to the presence of homologous sequence, such as pseudogenes or paralogs, in the genome. This sequence change replaces asparagine with lysine at codon 842 of the PMS2 protein (p.Asn842Lys). The asparagine residue is highly conserved and there is a moderate physicochemical difference between asparagine and lysine.